The following is an entry in ClinVar:

ClinVar aggregate classification (germline): Likely pathogenic (1 of 4 stars; one submission).

Submission:

Dasa
Classification: Likely pathogenic. Last evaluated: 2025-05-23. Review status: criteria provided, single submitter. Criteria: DASA Assertion Criteria. Collection method: clinical testing. Allele origin: germline.
Comment: NM_001330691.3(CEP78):c.1690dup (p.Gln564Profs*7) is a frameshift variant in CEP78 predicted to alter the reading frame and introduce a premature termination codon and is predicted to result in an absent or altered protein product. Loss of function is an established disease mechanism for CEP78-associated disorders. Also, this variant is rare in population databases. Based on the currently available evidence, this variant is classified as likely pathogenic.

NM_001330691.3(CEP78):c.1690dup (p.Gln564fs)

Gene: CEP78 (centrosomal protein 78; plus strand). Cytogenetic location: 9q21.2.
Variant type: Duplication.
Coding change: c.1690dup on transcript NM_001330691.3 (MANE Select); coding-DNA position 1690, one base duplicated (C; older notation c.1690dupC).
Protein change: p.Gln564fs; shifts the reading frame from glutamine 564.
Molecular consequence: frameshift variant.
Genome position (GRCh38, 1-based): chr9:78,265,436, C duplicated; the last of 4 consecutive C bases (chr9:78,265,433-78,265,436); duplicating any one gives the same sequence. VCF-style (leftmost placement, unchanged base first): chr9-78265432-T-TC. GRCh37 (hg19) VCF-style: chr9-80880348-T-TC.
Other names: c.1693dup, p.Gln565fs (NM_001098802.3, NM_001349839.2, NM_001349840.2 and 1 more transcripts); c.1690dup, p.Gln564fs (NM_001330693.3, NM_001330694.2, NM_001349838.2); short protein forms Q564fs, Q565fs.
Identifiers: ClinVar variation 4884282 (VCV004884282.2).